The following is an entry in ClinVar:

ClinVar aggregate classification (germline): Uncertain significance (1 of 4 stars; one submission).

Submission:

CeGaT Center for Human Genetics Tuebingen
Classification: Uncertain significance. Last evaluated: 2025-06-01. Review status: criteria provided, single submitter. Criteria: CeGaT Center For Human Genetics Tuebingen Variant Classification Criteria Version 2. Collection method: clinical testing. Allele origin: germline. Affected: yes. Observed: 1 variant allele.
Comment: ROBO4: PM2, PVS1:Moderate

NM_019055.6(ROBO4):c.1504+2T>G

Gene: ROBO4 (roundabout guidance receptor 4; minus strand). Cytogenetic location: 11q24.2.
Variant type: single nucleotide variant.
Coding change: c.1504+2T>G on transcript NM_019055.6 (MANE Select); the canonical splice donor site of the intron after coding-DNA position 1504, T replaced by G.
Molecular consequence: splice donor variant.
Genome position (GRCh38, 1-based): chr11:124,893,858, A>C on the plus strand (T>G on the coding strand, the complement: ROBO4 is on the minus strand). VCF-style: chr11-124893858-A-C. GRCh37 (hg19) VCF-style: chr11-124763754-A-C.
Other names: c.1069+2T>G (NM_001301088.2); c.1504+2T>G (NM_001441183.1).
Identifiers: ClinVar variation 4085173 (VCV004085173.8).